The following is an entry in ClinVar:

NM_170707.4(LMNA):c.1042A>G (p.Met348Val)

Gene: LMNA (lamin A/C; plus strand). Cytogenetic location: 1q22.
Variant type: single nucleotide variant.
Coding change: c.1042A>G on transcript NM_170707.4 (MANE Select); coding-DNA position 1042, A replaced by G.
Protein change: p.Met348Val; replaces methionine 348 with valine.
Molecular consequence: missense variant.
Genome position (GRCh38, 1-based): chr1:156,136,006, A>G. VCF-style: chr1-156136006-A-G. GRCh37 (hg19) VCF-style: chr1-156105797-A-G.
Other names: c.706A>G, p.Met236Val (NM_001257374.3); c.799A>G, p.Met267Val (NM_001282624.2); c.1042A>G, p.Met348Val (NM_001282625.2, NM_001282626.2, NM_005572.4 and 1 more transcripts); short protein forms M236V, M267V, M348V.
Identifiers: ClinVar variation 1304253 (VCV001304253.4), dbSNP rs2102887599, ClinGen allele CA342820256.
Genomic context (GRCh38, chr1:156,136,006, plus strand): 5'-GCCCGTGAGCGGGACACCAGCCGGCGGCTGCTGGCGGAAAAGGAGCGGGAGATGGCCGAG[A>G]TGCGGGCAAGGATGCAGCAGCAGCTGGACGAGTACCAGGAGCTTCTGGACATCAAGCTGG-3'
Protein context (NP_733821.1, residues 338-358): LAEKEREMAE[Met348Val]RARMQQQLDE

ClinVar aggregate classification (germline): Uncertain significance. Review status: criteria provided, multiple submitters, no conflicts (2 of 4 stars). 2 submissions from 2 submitters: Uncertain significance (2). Last evaluated 2022-10-13.

Submissions (2):

GeneDx
Classification: Uncertain significance. Last evaluated: 2022-10-13. Review status: criteria provided, single submitter. Criteria: GeneDx Variant Classification Process June 2021. Collection method: clinical testing. Allele origin: germline. Affected: yes.
Comment: Has not been previously published as pathogenic or benign to our knowledge; Not observed at significant frequency in large population cohorts (gnomAD); In silico analysis supports that this missense variant does not alter protein structure/function; This variant is associated with the following publications: (PMID: 10939567)

Blueprint Genetics
Classification: Uncertain significance. Last evaluated: 2020-02-26. Review status: criteria provided, single submitter. Criteria: ACMG Guidelines, 2015. Collection method: clinical testing. Allele origin: germline.